The following is an entry in ClinVar:

NM_001371928.1(AHDC1):c.2956C>T (p.Pro986Ser)

Gene: AHDC1 (AT-hook DNA binding motif containing 1; minus strand). Cytogenetic location: 1p36.11.
Variant type: single nucleotide variant.
Coding change: c.2956C>T on transcript NM_001371928.1 (MANE Select); coding-DNA position 2956, C replaced by T.
Protein change: p.Pro986Ser; replaces proline 986 with serine.
Molecular consequence: missense variant.
Genome position (GRCh38, 1-based): chr1:27,549,160, G>A on the plus strand (C>T on the coding strand, the complement: AHDC1 is on the minus strand). VCF-style: chr1-27549160-G-A. GRCh37 (hg19) VCF-style: chr1-27875671-G-A.
Other names: c.2956C>T, p.Pro986Ser (NM_001029882.3); short protein forms P986S.
Identifiers: ClinVar variation 1805159 (VCV001805159.1), dbSNP rs2521903618, ClinGen allele CA339228916.
Genomic context (GRCh38, chr1:27,549,160, plus strand): 5'-TGCCACTGCCATAGGCGAAGCTGCAGTCCTTGCTGTTAGCGCAGTCCTGGCCTGTAAAGG[G>A]CTTAGTTGGGGCGAATACGCTTTGTCCGGCCCCATAGCCGCCGTACTGGGGCAGGTAGGT-3'
Protein context (NP_001358857.1, residues 976-996): AGQSVFAPTK[Pro986Ser]FTGQDCANSK

ClinVar aggregate classification (germline): Uncertain significance (1 of 4 stars; one submission).

Conditions:
AHDC1-related intellectual disability - obstructive sleep apnea - mild dysmorphism syndrome. Also called: Xia-Gibbs syndrome. Identifiers: Orphanet 412069, MedGen C4014419, MONDO:0014358, OMIM 615829.

Allele frequency attached by ClinVar (database versions not stated): gnomAD exomes below 0.00001.

Submission:

Victorian Clinical Genetics Services, Murdoch Childrens Research Institute
Classification: Uncertain significance for AHDC1-related intellectual disability - obstructive sleep apnea - mild dysmorphism syndrome. Last evaluated: 2022-02-02. Review status: criteria provided, single submitter. Criteria: ACMG Guidelines, 2015. Collection method: clinical testing. Allele origin: germline. Inheritance: Autosomal dominant inheritance.
Comment: Based on the classification scheme VCGS_Germline_v1.3.4, this variant is classified as VUS-3C. Following criteria are met: 0105 - The mechanism of disease for this gene is not clearly established. Dominant-negative has been proposed as a potential disease mechanism without being functionally proven (PMID: 24791903). (I) 0107 - This gene is associated with autosomal dominant disease. (I) 0200 - Variant is predicted to result in a missense amino acid change from proline to serine. (I) 0251 - This variant is heterozygous. (I) 0301 - Variant is absent from gnomAD (both v2 and v3). (SP) 0309 - An alternative amino acid change at the same position has been observed in gnomAD (v3) (3 heterozygotes, 0 homozygote). (I) 0503 - Missense variant consistently predicted to be tolerated by multiple in silico tools or not conserved in placental mammals with a minor amino acid change. (SB) 0604 - Variant is not located in an established domain, motif, hotspot or informative constraint region. (I) 0705 - No comparable missense variants have previous evidence for pathogenicity. (I) 0807 - This variant has no previous evidence of pathogenicity. (I) 0905 - No published segregation evidence has been identified for this variant. (I) 1007 - No published functional evidence has been identified for this variant. (I) 1207 - Parental origin of the variant is unresolved (by due analysis). (I) Legend: (SP) - Supporting pathogenic, (I) - Information, (SB) - Supporting benign

Literature cited by the submitters: PubMed 24791903.